The following is an entry in ClinVar:

NM_001940.4(ATN1):c.86C>T (p.Ser29Leu)

Gene: ATN1 (atrophin 1; plus strand). Cytogenetic location: 12p13.31.
Variant type: single nucleotide variant.
Coding change: c.86C>T on transcript NM_001940.4 (MANE Select); coding-DNA position 86, C replaced by T.
Protein change: p.Ser29Leu; replaces serine 29 with leucine.
Molecular consequence: missense variant.
Genome position (GRCh38, 1-based): chr12:6,934,234, C>T. VCF-style: chr12-6934234-C-T. GRCh37 (hg19) VCF-style: chr12-7043397-C-T.
Other names: c.86C>T, p.Ser29Leu (NM_001007026.2, NM_001424176.1, NM_001424177.1 and 5 more transcripts); short protein forms S29L.
Identifiers: ClinVar variation 3048305 (VCV003048305.2), dbSNP rs371722337, ClinGen allele CA6420315.

ClinVar aggregate classification (germline): Likely benign (0 of 4 stars; one submission).

Conditions:
ATN1-related disorder. Also called: ATN1-related condition; ATN1-related disorders.

Allele frequency attached by ClinVar (database versions not stated): TOPMed 0.00006; gnomAD 0.00009; ExAC 0.00014; ESP Exome Variant Server 0.00015.
gnomAD v4.1: 121 of 1,589,162 alleles (0.0076%); highest among the groups gnomAD compares: Non-Finnish European, 0.0015%; no homozygotes.

Submission:

PreventionGenetics, part of Exact Sciences
Classification: Likely benign for ATN1-related condition. Last evaluated: 2019-11-16. Review status: no assertion criteria provided. Collection method: clinical testing. Allele origin: germline.
Comment: This variant is classified as likely benign based on ACMG/AMP sequence variant interpretation guidelines (Richards et al. 2015 PMID: 25741868, with internal and published modifications).